The following is an entry in ClinVar:

NM_001128228.3(TPRN):c.106G>T (p.Gly36Cys)

Genes: TPRN (taperin; minus strand), LOC130003093 (ATAC-STARR-seq lymphoblastoid silent region 20590; plus strand). Cytogenetic location: 9q34.3.
Variant type: single nucleotide variant.
Coding change: c.106G>T on transcript NM_001128228.3 (MANE Select); coding-DNA position 106, G replaced by T.
Protein change: p.Gly36Cys; replaces glycine 36 with cysteine.
Molecular consequence: missense variant.
Genome position (GRCh38, 1-based): chr9:137,200,606, C>A on the plus strand (G>T on the coding strand, the complement: TPRN is on the minus strand). VCF-style: chr9-137200606-C-A. GRCh37 (hg19) VCF-style: chr9-140095058-C-A.
Other names: short protein forms G36C.
Identifiers: ClinVar variation 4529896 (VCV004529896.2).
Genomic context (GRCh38, chr9:137,200,606, plus strand): 5'-GCGGGCCCAGGCTCTCGGCCAGCACCCGCTGCTCGGGCTCCGCCGCCCCGGGCCCCGCGC[C>A]CCCGCCCAGCGCGGCTAGCTTGGCCCGCTTCCGCTCCAGGATCTCACGCTTCCAAGCGGG-3'
Protein context (NP_001121700.2, residues 26-46): KRAKLAALGG[Gly36Cys]AGPGAAEPEQ

ClinVar aggregate classification (germline): Uncertain significance. Review status: criteria provided, multiple submitters, no conflicts (2 of 4 stars). 2 submissions from 2 submitters: Uncertain significance (2). Last evaluated 2025-10-18.

Conditions:
Inborn genetic diseases. Identifiers: MedGen C0950123, MeSH D030342.

Submissions (2):

Ambry Genetics
Classification: Uncertain significance for Inborn genetic diseases. Last evaluated: 2025-10-18. Review status: criteria provided, single submitter. Criteria: Ambry Variant Classification Scheme 2023. Collection method: clinical testing. Allele origin: germline.

GeneDx
Classification: Uncertain significance. Last evaluated: 2025-05-16. Review status: criteria provided, single submitter. Criteria: GeneDx Variant Classification Process June 2021. Collection method: clinical testing. Allele origin: germline. Affected: yes.
Comment: Not observed at significant frequency in large population cohorts (gnomAD); In silico analysis suggests that this missense variant does not alter protein structure/function; Has not been previously published as pathogenic or benign to our knowledge